The following is an entry in ClinVar:

ClinVar aggregate classification (germline): Benign. Review status: criteria provided, multiple submitters, no conflicts (2 of 4 stars). 2 submissions from 2 submitters: Benign (2). Last evaluated 2018-06-19.

Submissions (2):

GeneDx
Classification: Benign. Last evaluated: 2018-06-19. Review status: criteria provided, single submitter. Criteria: GeneDx Variant Classification (06012015). Collection method: clinical testing. Allele origin: germline. Affected: yes.
Comment: This variant is considered likely benign or benign based on one or more of the following criteria: it is a conservative change, it occurs at a poorly conserved position in the protein, it is predicted to be benign by multiple in silico algorithms, and/or has population frequency not consistent with disease.

PreventionGenetics, part of Exact Sciences
Classification: Benign. Review status: criteria provided, single submitter. Criteria: ACMG Guidelines, 2015. Collection method: clinical testing. Allele origin: germline.

NM_173660.5(DOK7):c.773-32del

Gene: DOK7 (docking protein 7; plus strand). Cytogenetic location: 4p16.3.
Variant type: Deletion.
Coding change: c.773-32del on transcript NM_173660.5 (MANE Select); 32 bases into the intron before coding-DNA position 773, one base deleted (C; older notation c.773-32delC).
Molecular consequence: intron variant.
Genome position (GRCh38, 1-based): chr4:3,492,727, C deleted; the last of 5 consecutive C bases (chr4:3,492,723-3,492,727); deleting any one gives the same sequence. VCF-style (leftmost placement, unchanged base first): chr4-3492722-AC-A. GRCh37 (hg19) VCF-style: chr4-3494449-AC-A.
Other names: c.773-32del (NM_001301071.2); c.341-32del (NM_001363811.2); c.762-32del (NM_001164673.2); c.-158-32del (NM_001256896.2); c.773-32delC (NM_173660.4).
Identifiers: ClinVar variation 262889 (VCV000262889.2), dbSNP rs34230391, ClinGen allele CA2829204.